The following is an entry in ClinVar:

NM_001204.6(BMPR2):c.51_814del

Genes: BMPR2 (bone morphogenetic protein receptor type 2; plus strand), LOC129935435 (ATAC-STARR-seq lymphoblastoid active region 17001; plus strand). Cytogenetic location: 2q33.1-33.2.
Variant type: Deletion.
Coding change: c.51_814del on transcript NM_001204.6; coding-DNA positions 51 to 814, 764 bases deleted.
Other names: c.51_814del, p.I18Hfs*25 (LRG_712t1).
Identifiers: ClinVar variation 425686 (VCV000425686.1).

ClinVar aggregate classification (germline): Pathogenic (0 of 4 stars; one submission).

Conditions:
Pulmonary hypertension, primary, 1 (PPH1). Also called: Pulmonary hypertension, familial primary, 1, with or without HHT. Identifiers: Orphanet 422, MedGen C4552070, MONDO:0024533, OMIM 178600.

Submission:

Rare Disease Genomics Group, St George's University of London
Classification: Pathogenic for Primary pulmonary hypertension. Review status: no assertion criteria provided. Collection method: literature only. Allele origin: germline. Affected: yes.
Comment: Deletion of exons 1-6

Literature cited by the submitters: PubMed 11115378.